The following is an entry in ClinVar:

NM_003482.4(KMT2D):c.9678T>C (p.Pro3226=)

Gene: KMT2D (lysine methyltransferase 2D; minus strand). Cytogenetic location: 12q13.12.
Variant type: single nucleotide variant.
Coding change: c.9678T>C on transcript NM_003482.4 (MANE Select); coding-DNA position 9678, T replaced by C.
Protein change: p.Pro3226=; no amino-acid change (proline 3226 retained).
Molecular consequence: synonymous variant.
Genome position (GRCh38, 1-based): chr12:49,037,678, A>G on the plus strand (T>C on the coding strand, the complement: KMT2D is on the minus strand). VCF-style: chr12-49037678-A-G. GRCh37 (hg19) VCF-style: chr12-49431461-A-G.
Identifiers: ClinVar variation 4997590 (VCV004997590.1).
Genomic context (GRCh38, chr12:49,037,678, plus strand): 5'-GGGTAACTCGCTGGCTACCAGTGAGCTCTCCATCTTGTCTAGCTCATCCCCAGATGCTGC[A>G]GGTCCACCAGGCAAGGTCAAAGCCCCACTCTCGAGCTCAAACTTTTCCAGCAGGGAGGAT-3'
Protein context (NP_003473.3, residues 3216-3236): ESGALTLPGG[Pro3226=]AASGDELDKM

ClinVar aggregate classification (germline): Likely benign (1 of 4 stars; one submission).

Conditions:
KMT2D-related disorder. Also called: KMT2D-Related Disorders.

Submission:

PreventionGenetics, part of Exact Sciences
Classification: Likely benign for KMT2D-related condition. Last evaluated: 2025-08-07. Review status: criteria provided, single submitter. Criteria: ACMG Guidelines, 2015. Collection method: clinical testing. Allele origin: germline.
Comment: This variant is classified as likely benign based on ACMG/AMP sequence variant interpretation guidelines (Richards et al. 2015 PMID: 25741868, with internal and published modifications).